The following is an entry in ClinVar:

NM_019014.6(POLR1B):c.3052C>T (p.Arg1018Ter)

Gene: POLR1B (RNA polymerase I subunit B; plus strand). Cytogenetic location: 2q14.1.
Variant type: single nucleotide variant.
Coding change: c.3052C>T on transcript NM_019014.6 (MANE Select); coding-DNA position 3052, C replaced by T.
Protein change: p.Arg1018Ter; replaces arginine 1018 with a stop codon.
Molecular consequence: nonsense.
Genome position (GRCh38, 1-based): chr2:112,575,373, C>T. VCF-style: chr2-112575373-C-T. GRCh37 (hg19) VCF-style: chr2-113332950-C-T.
Other names: c.2884C>T, p.Arg962Ter (NM_001137604.3, NM_032212.2); c.3166C>T, p.Arg1056Ter (NM_001282772.2); c.2503C>T, p.Arg835Ter (NM_001282774.2); c.2419C>T, p.Arg807Ter (NM_001282776.2, NM_001371971.1); c.2635C>T, p.Arg879Ter (NM_001282777.2, NM_001282779.2, NM_001371970.1); c.3190C>T, p.Arg1064Ter (NM_001371969.1); c.3052C>T (NM_019014.5); short protein forms R1018*, R1056*, R1064*, R807*, R835*, R879*, R962*.
Identifiers: ClinVar variation 2630120 (VCV002630120.2), dbSNP rs1684814393, ClinGen allele CA348277335.

ClinVar aggregate classification (germline): Uncertain significance. Review status: criteria provided, multiple submitters, no conflicts (2 of 4 stars). 2 submissions from 2 submitters: Uncertain significance (2). Last evaluated 2024-04-10.

Conditions:
POLR1B-related disorder. Also called: POLR1B-related condition.

Allele frequency attached by ClinVar (database versions not stated): TOPMed 0.00001.

Submissions (2):

GeneDx
Classification: Uncertain significance. Last evaluated: 2024-04-10. Review status: criteria provided, single submitter. Criteria: GeneDx Variant Classification Process June 2021. Collection method: clinical testing. Allele origin: germline. Affected: yes.
Comment: Not observed at significant frequency in large population cohorts (gnomAD); Has not been previously published as pathogenic or benign to our knowledge; Nonsense variant predicted to result in protein truncation as the last 118 amino acids are lost in a gene for which loss-of-function is not an established mechanism of disease

PreventionGenetics, part of Exact Sciences
Classification: Uncertain significance for POLR1B-related condition. Last evaluated: 2023-03-23. Review status: criteria provided, single submitter. Criteria: ACMG Guidelines, 2015. Collection method: clinical testing. Allele origin: germline.
Comment: The POLR1B c.3166C>T variant is predicted to result in premature protein termination (p.Arg1056*). To our knowledge, this variant has not been reported in the literature or in a large population database, indicating this variant is rare. Loss of function is not a known mechanism for the POLR1B-related disorder. At this time, the clinical significance of this variant is uncertain due to the absence of conclusive functional and genetic evidence.